The following is an entry in ClinVar:

ClinVar aggregate classification (germline): Uncertain significance. Review status: criteria provided, multiple submitters, no conflicts (2 of 4 stars). 3 submissions from 3 submitters: Uncertain significance (3). Last evaluated 2026-01-01.

Conditions:
Fanconi anemia (FA). Also called: Fanconi's anemia. Identifiers: Orphanet 84, MedGen C0015625, MeSH D005199, MONDO:0019391.
Fanconi anemia complementation group A (FANCA). Also called: FANCA-Related Fanconi Anemia; Fanconi anemia, group A. Identifiers: Orphanet 84, MedGen C3469521, MONDO:0009215, OMIM 227650.

Allele frequency attached by ClinVar (database versions not stated): gnomAD exomes below 0.00001; ExAC 0.00001; TOPMed 0.00002.
gnomAD v4.1: 5 of 1,613,622 alleles (0.00031%); highest among the groups gnomAD compares: Admixed American, 0.0017%; no homozygotes.

Submissions (3):

CeGaT Center for Human Genetics Tuebingen
Classification: Uncertain significance. Last evaluated: 2026-01-01. Review status: criteria provided, single submitter. Criteria: CeGaT Center For Human Genetics Tuebingen Variant Classification Criteria Version 2. Collection method: clinical testing. Allele origin: germline. Affected: yes. Observed: 1 variant allele.
Comment: FANCA: PM2, BP4

Fulgent Genetics
Classification: Uncertain significance for Fanconi anemia complementation group A. Last evaluated: 2024-04-25. Review status: criteria provided, single submitter. Criteria: ACMG Guidelines, 2015. Collection method: clinical testing. Allele origin: germline.

Labcorp Genetics (formerly Invitae), Labcorp
Classification: Uncertain significance for Fanconi anemia. Last evaluated: 2021-09-14. Review status: criteria provided, single submitter. Criteria: Invitae Variant Classification Sherloc (09022015). Collection method: clinical testing. Allele origin: germline.
Comment: This sequence change replaces aspartic acid with alanine at codon 953 of the FANCA protein (p.Asp953Ala). The aspartic acid residue is moderately conserved and there is a moderate physicochemical difference between aspartic acid and alanine. This variant is present in population databases (rs770577554, ExAC 0.001%). This variant has not been reported in the literature in individuals affected with FANCA-related conditions. Algorithms developed to predict the effect of missense changes on protein structure and function are either unavailable or do not agree on the potential impact of this missense change (SIFT: "Tolerated"; PolyPhen-2: "Possibly Damaging"; Align-GVGD: "Class C0"). In summary, the available evidence is currently insufficient to determine the role of this variant in disease. Therefore, it has been classified as a Variant of Uncertain Significance.

NM_000135.4(FANCA):c.2858A>C (p.Asp953Ala)

Gene: FANCA (FA complementation group A; minus strand). Cytogenetic location: 16q24.3.
Variant type: single nucleotide variant.
Coding change: c.2858A>C on transcript NM_000135.4 (MANE Select); coding-DNA position 2858, A replaced by C.
Protein change: p.Asp953Ala; replaces aspartic acid 953 with alanine.
Molecular consequence: missense variant.
Genome position (GRCh38, 1-based): chr16:89,758,700, T>G on the plus strand (A>C on the coding strand, the complement: FANCA is on the minus strand). VCF-style: chr16-89758700-T-G. GRCh37 (hg19) VCF-style: chr16-89825108-T-G.
Other names: c.2858A>C, p.Asp953Ala (NM_001286167.3); short protein forms D953A.
Identifiers: ClinVar variation 2146246 (VCV002146246.6), dbSNP rs770577554, ClinGen allele CA8251451.
Genomic context (GRCh38, chr16:89,758,700, plus strand): 5'-CAGCCCCCTGAAGCCGAGGACTCAGGGAGAAAGTGCTCATGGATCGCCCACTGGTGGAAG[T>G]CCTGCCTAGAACAGCAAACACTGCTATCAATTCTGAGAAATGCTTCGTGGCCAGCGGTTC-3'
Protein context (NP_000126.2, residues 943-963): ADALSDTERQ[Asp953Ala]FHQWAIHEHF